The following is an entry in ClinVar:

ClinVar aggregate classification (germline): Uncertain significance (1 of 4 stars; one submission).

gnomAD v4.1: 18 of 1,614,104 alleles (0.0011%); highest among the groups gnomAD compares: South Asian, 0.02%; no homozygotes.

Submission:

Labcorp Genetics (formerly Invitae), Labcorp
Classification: Uncertain significance. Last evaluated: 2024-09-21. Review status: criteria provided, single submitter. Criteria: Invitae Variant Classification Sherloc (09022015). Collection method: clinical testing. Allele origin: germline.
Comment: This sequence change replaces threonine, which is neutral and polar, with proline, which is neutral and non-polar, at codon 945 of the KANK1 protein (p.Thr945Pro). This variant is present in population databases (rs748666768, gnomAD 0.02%). This variant has not been reported in the literature in individuals affected with KANK1-related conditions. Invitae Evidence Modeling of protein sequence and biophysical properties (such as structural, functional, and spatial information, amino acid conservation, physicochemical variation, residue mobility, and thermodynamic stability) indicates that this missense variant is not expected to disrupt KANK1 protein function with a negative predictive value of 80%. In summary, the available evidence is currently insufficient to determine the role of this variant in disease. Therefore, it has been classified as a Variant of Uncertain Significance.

NM_015158.5(KANK1):c.2833A>C (p.Thr945Pro)

Gene: KANK1 (KN motif and ankyrin repeat domains 1; plus strand). Cytogenetic location: 9p24.3.
Variant type: single nucleotide variant.
Coding change: c.2833A>C on transcript NM_015158.5 (MANE Select); coding-DNA position 2833, A replaced by C.
Protein change: p.Thr945Pro; replaces threonine 945 with proline.
Molecular consequence: missense variant. On other transcripts: non-coding transcript variant (1).
Genome position (GRCh38, 1-based): chr9:730,185, A>C. VCF-style: chr9-730185-A-C. GRCh37 (hg19) VCF-style: chr9-730185-A-C.
Other names: c.2359A>C, p.Thr787Pro (NM_001354336.2, NM_001354337.2, NM_001354338.2 and 9 more transcripts); c.2833A>C, p.Thr945Pro (NM_001256876.3, NM_001256877.3, NM_001354331.2 and 2 more transcripts); short protein forms T787P, T945P.
Identifiers: ClinVar variation 3673805 (VCV003673805.2).
Genomic context (GRCh38, chr9:730,185, plus strand): 5'-CCTGAGCAAGAAGTGGGGACCTCAGAAGGAAAGCCAATCAGCAGCCTGGATGCCTTCCCC[A>C]CTCAGGAAGGTACGCTGTCTCCAGTGAACCTGACAGACGACCAGATCGCCGCTGGCCTCT-3'
Protein context (NP_055973.2, residues 935-955): KPISSLDAFP[Thr945Pro]QEGTLSPVNL